The following is an entry in ClinVar:

ClinVar aggregate classification (germline): Likely benign. Review status: criteria provided, multiple submitters, no conflicts (2 of 4 stars). 3 submissions from 3 submitters: Likely benign (2). 1 of the submissions does not count toward it. Last evaluated 2026-01-26.

Conditions:
UNC80-related disorder. Also called: UNC80-related condition.

Allele frequency attached by ClinVar (database versions not stated): gnomAD exomes 0.00007 and 0.00016; ExAC 0.00032; TOPMed 0.00081; gnomAD 0.00088 and 0.00093; 1000 Genomes Project 30x 0.00172; 1000 Genomes Project 0.00180.
gnomAD v4.1: 244 of 1,551,838 alleles (0.016%); highest among the groups gnomAD compares: African/African-American, 0.25%; no homozygotes.

Submissions (3):

Labcorp Genetics (formerly Invitae), Labcorp
Classification: Likely benign. Last evaluated: 2026-01-26. Review status: criteria provided, single submitter. Criteria: Invitae Variant Classification Sherloc (09022015). Collection method: clinical testing. Allele origin: germline.

Blueprint Genetics
Classification: Likely benign. Last evaluated: 2024-09-17. Review status: criteria provided, single submitter. Criteria: ACMG Guidelines, 2015. Collection method: clinical testing. Allele origin: germline.

PreventionGenetics, part of Exact Sciences
Classification: Likely benign for UNC80-related condition. Last evaluated: 2021-03-04. Review status: no assertion criteria provided. Collection method: clinical testing. Allele origin: germline. Not counted in ClinVar's aggregate classification.
Comment: This variant is classified as likely benign based on ACMG/AMP sequence variant interpretation guidelines (Richards et al. 2015 PMID: 25741868, with internal and published modifications).

NM_001371986.1(UNC80):c.9885C>G (p.Gly3295=)

Gene: UNC80 (unc-80 subunit of NALCN channel complex; plus strand). Cytogenetic location: 2q34.
Variant type: single nucleotide variant.
Coding change: c.9885C>G on transcript NM_001371986.1 (MANE Select); coding-DNA position 9885, C replaced by G.
Protein change: p.Gly3295=; no amino-acid change (glycine 3295 retained).
Molecular consequence: synonymous variant.
Genome position (GRCh38, 1-based): chr2:209,995,505, C>G. VCF-style: chr2-209995505-C-G. GRCh37 (hg19) VCF-style: chr2-210860229-C-G.
Other names: c.9687C>G, p.Gly3229= (NM_032504.2); c.9615C>G, p.Gly3205= (NM_182587.4).
Identifiers: ClinVar variation 746312 (VCV000746312.13), dbSNP rs146118533, ClinGen allele CA2083722.